The following is an entry in ClinVar:

NM_025144.4(ALPK1):c.1376A>G (p.Tyr459Cys)

Gene: ALPK1 (alpha kinase 1; plus strand). Cytogenetic location: 4q25.
Variant type: single nucleotide variant.
Coding change: c.1376A>G on transcript NM_025144.4 (MANE Select); coding-DNA position 1376, A replaced by G.
Protein change: p.Tyr459Cys; replaces tyrosine 459 with cysteine.
Molecular consequence: missense variant.
Genome position (GRCh38, 1-based): chr4:112,430,923, A>G. VCF-style: chr4-112430923-A-G. GRCh37 (hg19) VCF-style: chr4-113352079-A-G.
Other names: c.1376A>G, p.Tyr459Cys (NM_001102406.2); c.1142A>G, p.Tyr381Cys (NM_001253884.2); short protein forms Y459C, Y381C.
Identifiers: ClinVar variation 2076304 (VCV002076304.4), dbSNP rs775812079, ClinGen allele CA3046717.

ClinVar aggregate classification (germline): Uncertain significance (1 of 4 stars; one submission).

Allele frequency attached by ClinVar (database versions not stated): TOPMed 0.00002; gnomAD exomes 0.00003; ExAC 0.00006; gnomAD 0.00003.
gnomAD v4.1: 54 of 1,614,076 alleles (0.0033%); highest among the groups gnomAD compares: Non-Finnish European, 0.0042%; no homozygotes.

Submission:

Labcorp Genetics (formerly Invitae), Labcorp
Classification: Uncertain significance. Last evaluated: 2023-12-12. Review status: criteria provided, single submitter. Criteria: Invitae Variant Classification Sherloc (09022015). Collection method: clinical testing. Allele origin: germline.
Comment: This sequence change replaces tyrosine, which is neutral and polar, with cysteine, which is neutral and slightly polar, at codon 459 of the ALPK1 protein (p.Tyr459Cys). This variant is present in population databases (rs775812079, gnomAD 0.008%). This variant has not been reported in the literature in individuals affected with ALPK1-related conditions. ClinVar contains an entry for this variant (Variation ID: 2076304). Advanced modeling of protein sequence and biophysical properties (such as structural, functional, and spatial information, amino acid conservation, physicochemical variation, residue mobility, and thermodynamic stability) performed at Invitae indicates that this missense variant is not expected to disrupt ALPK1 protein function with a negative predictive value of 80%. In summary, the available evidence is currently insufficient to determine the role of this variant in disease. Therefore, it has been classified as a Variant of Uncertain Significance.